The following is an entry in ClinVar:

ClinVar aggregate classification (germline): Uncertain significance (1 of 4 stars; one submission).

Conditions:
Cryopyrin associated periodic syndrome (CAPS). Identifiers: Orphanet 208650, MedGen C2316212, MONDO:0016168.

Submission:

Labcorp Genetics (formerly Invitae), Labcorp
Classification: Uncertain significance for Cryopyrin associated periodic syndrome. Last evaluated: 2025-02-19. Review status: criteria provided, single submitter. Criteria: Invitae Variant Classification Sherloc (09022015). Collection method: clinical testing. Allele origin: germline.
Comment: This sequence change replaces aspartic acid, which is acidic and polar, with tyrosine, which is neutral and polar, at codon 804 of the NLRP3 protein (p.Asp804Tyr). This variant is not present in population databases (gnomAD no frequency). This variant has not been reported in the literature in individuals affected with NLRP3-related conditions. Invitae Evidence Modeling of protein sequence and biophysical properties (such as structural, functional, and spatial information, amino acid conservation, physicochemical variation, residue mobility, and thermodynamic stability) has been performed for this missense variant. However, the output from this modeling did not meet the statistical confidence thresholds required to predict the impact of this variant on NLRP3 protein function. In summary, the available evidence is currently insufficient to determine the role of this variant in disease. Therefore, it has been classified as a Variant of Uncertain Significance.

NM_001243133.2(NLRP3):c.2404G>T (p.Asp802Tyr)

Gene: NLRP3 (NLR family pyrin domain containing 3; plus strand). Cytogenetic location: 1q44.
Variant type: single nucleotide variant.
Coding change: c.2404G>T on transcript NM_001243133.2 (MANE Select); coding-DNA position 2404, G replaced by T.
Protein change: p.Asp802Tyr; replaces aspartic acid 802 with tyrosine.
Molecular consequence: missense variant.
Genome position (GRCh38, 1-based): chr1:247,434,185, G>T. VCF-style: chr1-247434185-G-T. GRCh37 (hg19) VCF-style: chr1-247597487-G-T.
Other names: c.2404G>T, p.Asp802Tyr (NM_001079821.3, NM_001127461.3); c.2233G>T, p.Asp745Tyr (NM_001127462.3, NM_183395.3); c.2410G>T, p.Asp804Tyr (NM_004895.5); short protein forms D802Y, D745Y, D804Y.
Identifiers: ClinVar variation 3633881 (VCV003633881.2).